The following is an entry in ClinVar:

NM_001286577.2(C2CD3):c.1018C>T (p.Pro340Ser)

Gene: C2CD3 (C2 domain containing 3 centriole elongation regulator; minus strand). Cytogenetic location: 11q13.4.
Variant type: single nucleotide variant.
Coding change: c.1018C>T on transcript NM_001286577.2 (MANE Select); coding-DNA position 1018, C replaced by T.
Protein change: p.Pro340Ser; replaces proline 340 with serine.
Molecular consequence: missense variant.
Genome position (GRCh38, 1-based): chr11:74,133,495, G>A on the plus strand (C>T on the coding strand, the complement: C2CD3 is on the minus strand). VCF-style: chr11-74133495-G-A. GRCh37 (hg19) VCF-style: chr11-73844540-G-A.
Other names: c.1018C>T, p.Pro340Ser (NM_015531.6); short protein forms P340S.
Identifiers: ClinVar variation 2178140 (VCV002178140.4), dbSNP rs2496579603, ClinGen allele CA381815084.

ClinVar aggregate classification (germline): Uncertain significance (1 of 4 stars; one submission).

Allele frequency attached by ClinVar (database versions not stated): gnomAD exomes below 0.00001.
gnomAD v4.1: 3 of 1,613,642 alleles (0.00019%); highest among the groups gnomAD compares: Non-Finnish European, 0.00025%; no homozygotes.

Submission:

Labcorp Genetics (formerly Invitae), Labcorp
Classification: Uncertain significance. Last evaluated: 2022-03-28. Review status: criteria provided, single submitter. Criteria: Invitae Variant Classification Sherloc (09022015). Collection method: clinical testing. Allele origin: germline.
Comment: In summary, the available evidence is currently insufficient to determine the role of this variant in disease. Therefore, it has been classified as a Variant of Uncertain Significance. Algorithms developed to predict the effect of missense changes on protein structure and function are either unavailable or do not agree on the potential impact of this missense change (SIFT: "Tolerated"; PolyPhen-2: "Probably Damaging"; Align-GVGD: "Class C0"). This variant has not been reported in the literature in individuals affected with C2CD3-related conditions. This variant is not present in population databases (gnomAD no frequency). This sequence change replaces proline, which is neutral and non-polar, with serine, which is neutral and polar, at codon 340 of the C2CD3 protein (p.Pro340Ser).